The following is an entry in ClinVar:

NM_183235.3(RAB27A):c.352C>T (p.Gln118Ter)

Gene: RAB27A (RAB27A, member RAS oncogene family; minus strand). Cytogenetic location: 15q21.3.
Variant type: single nucleotide variant.
Coding change: c.352C>T on transcript NM_183235.3 (MANE Select); coding-DNA position 352, C replaced by T.
Protein change: p.Gln118Ter; replaces glutamine 118 with a stop codon.
Molecular consequence: nonsense.
Genome position (GRCh38, 1-based): chr15:55,224,004, G>A on the plus strand (C>T on the coding strand, the complement: RAB27A is on the minus strand). VCF-style: chr15-55224004-G-A. GRCh37 (hg19) VCF-style: chr15-55516202-G-A.
Other names: c.352C>T, p.Gln118Ter (NM_004580.5, NM_183234.3, NM_183236.3); short protein forms Q118*.
Identifiers: ClinVar variation 5990 (VCV000005990.16), dbSNP rs104894500, ClinGen allele CA117895.

ClinVar aggregate classification (germline): Pathogenic. Review status: criteria provided, multiple submitters, no conflicts (2 of 4 stars). 4 submissions from 4 submitters: Pathogenic (2). 2 of the submissions do not count toward it. Last evaluated 2025-10-01.

Conditions:
Multisystem inflammatory syndrome in children. Identifiers: MedGen C5391534.
Griscelli syndrome type 2 (GS2). Also called: GRISCELLI SYNDROME WITH HEMOPHAGOCYTIC SYNDROME; PAID SYNDROME; PARTIAL ALBINISM AND IMMUNODEFICIENCY SYNDROME. Identifiers: Orphanet 381, Orphanet 79477, MedGen C1868679, MONDO:0011872, OMIM 607624.

gnomAD v4.1: 5 of 1,576,478 alleles (0.00032%); highest among the groups gnomAD compares: Middle Eastern, 0.033%; no homozygotes.

Submissions (4):

Labcorp Genetics (formerly Invitae), Labcorp
Classification: Pathogenic for Griscelli syndrome type 2. Last evaluated: 2025-10-01. Review status: criteria provided, single submitter. Criteria: Invitae Variant Classification Sherloc (09022015). Collection method: clinical testing. Allele origin: germline.
Comment: This sequence change creates a premature translational stop signal (p.Gln118*) in the RAB27A gene. It is expected to result in an absent or disrupted protein product. Loss-of-function variants in RAB27A are known to be pathogenic (PMID: 10835631, 23160464). This variant is not present in population databases (gnomAD no frequency). This premature translational stop signal has been observed in individual(s) with Griscelli syndrome (PMID: 15163896, 23160464). ClinVar contains an entry for this variant (Variation ID: 5990). For these reasons, this variant has been classified as Pathogenic.

Laboratorio de Genetica e Diagnostico Molecular, Hospital Israelita Albert Einstein
Classification: Pathogenic. Last evaluated: 2020-01-05. Review status: criteria provided, single submitter. Criteria: ACMG Guidelines, 2015. Collection method: clinical testing. Allele origin: germline. Affected: yes.
Comment: ACMG classification criteria: PVS1, PS4, PM2, PM3

Dubai Health Genomic Medicine Center, Dubai Health
Classification: risk factor for Multisystem inflammatory syndrome in children. Last evaluated: 2021-11-14. Review status: no assertion criteria provided. Collection method: research. Allele origin: germline. Affected: yes. Not counted in ClinVar's aggregate classification.

OMIM
Classification: Pathogenic for GRISCELLI SYNDROME, TYPE 2. Last evaluated: 2004-07-01. Review status: no assertion criteria provided. Collection method: literature only. Allele origin: germline. Not counted in ClinVar's aggregate classification.

Literature cited by the submitters: PubMed 10835631 (cited by Labcorp Genetics (formerly Invitae), Labcorp); PubMed 23160464 (cited by Labcorp Genetics (formerly Invitae), Labcorp); PubMed 15163896 (cited by Labcorp Genetics (formerly Invitae), Labcorp and OMIM).